The following is an entry in ClinVar:

NM_000059.4(BRCA2):c.4867C>T (p.Gln1623Ter)

Gene: BRCA2 (BRCA2 DNA repair associated; plus strand). Cytogenetic location: 13q13.1.
Variant type: single nucleotide variant.
Coding change: c.4867C>T on transcript NM_000059.4 (MANE Select); coding-DNA position 4867, C replaced by T.
Protein change: p.Gln1623Ter; replaces glutamine 1623 with a stop codon.
Molecular consequence: nonsense.
Genome position (GRCh38, 1-based): chr13:32,339,222, C>T. VCF-style: chr13-32339222-C-T. GRCh37 (hg19) VCF-style: chr13-32913359-C-T.
Other names: c.4867C>T, p.Gln1623Ter (NM_001406719.1, NM_001406720.1); short protein forms Q1623*.
Identifiers: ClinVar variation 1801540 (VCV001801540.3), dbSNP rs2137511115, ClinGen allele CA387783447.

ClinVar aggregate classification (germline): Pathogenic/Likely pathogenic. Review status: criteria provided, multiple submitters, no conflicts (2 of 4 stars). 3 submissions from 3 submitters: Pathogenic (1); Likely pathogenic (1). 1 of the submissions does not count toward it. Last evaluated 2025-03-21.

Conditions:
Gastric cancer. Also called: Malignant tumor of stomach; Stomach cancer. Identifiers: MedGen C0024623, MeSH D013274, MONDO:0001056, OMIM 613659, HP:0012126.
Hereditary cancer-predisposing syndrome. Also called: Neoplastic Syndromes, Hereditary; Hereditary neoplastic syndrome; Hereditary Cancer Syndrome; Tumor predisposition. Identifiers: Orphanet 140162, MedGen C0027672, MeSH D009386, MONDO:0015356.
Familial cancer of breast. Also called: Hereditary breast cancer; hereditary breast carcinoma; BREAST CANCER, FAMILIAL. Identifiers: Orphanet 227535, MedGen C0346153, MONDO:0016419, OMIM 114480. Disease mechanism: loss of function.

Submissions (3):

Ambry Genetics
Classification: Pathogenic for Hereditary cancer-predisposing syndrome. Last evaluated: 2025-03-21. Review status: criteria provided, single submitter. Criteria: Ambry Variant Classification Scheme 2023. Collection method: clinical testing. Allele origin: germline.
Comment: The p.Q1623* pathogenic mutation (also known as c.4867C>T), located in coding exon 10 of the BRCA2 gene, results from a C to T substitution at nucleotide position 4867. This changes the amino acid from a glutamine to a stop codon within coding exon 10. This variant is considered to be rare based on population cohorts in the Genome Aggregation Database (gnomAD). This alteration is expected to result in loss of function by premature protein truncation or nonsense-mediated mRNA decay. As such, this alteration is interpreted as a disease-causing mutation.

Baylor Genetics
Classification: Likely pathogenic for Familial cancer of breast. Last evaluated: 2024-01-08. Review status: criteria provided, single submitter. Criteria: ACMG Guidelines, 2015. Collection method: clinical testing. Allele origin: unknown.

Laboratory for Genotyping Development, RIKEN
Classification: Pathogenic for Gastric cancer. Last evaluated: 2021-07-01. Review status: no assertion criteria provided. Collection method: research. Allele origin: germline. Not counted in ClinVar's aggregate classification.

Literature cited by the submitters: PubMed 36988593 (cited by Laboratory for Genotyping Development, RIKEN).